The following is an entry in ClinVar:

ClinVar aggregate classification (germline): Uncertain significance (1 of 4 stars; one submission).

Conditions:
Congenital primary aphakia. Also called: ANTERIOR SEGMENT DYSGENESIS 2; Anterior segment dysgenesis 2, multiple subtypes. Identifiers: Orphanet 83461, MedGen C1853230, MONDO:0012456, OMIM 610256.
Anterior segment dysgenesis. Also called: Ocular anterior segment dysgenesis. Identifiers: Orphanet 88632, MedGen C1862839, MONDO:0019503, HP:0007700.

Submission:

Labcorp Genetics (formerly Invitae), Labcorp
Classification: Uncertain significance for Anterior segment dysgenesis; Congenital primary aphakia. Last evaluated: 2022-09-01. Review status: criteria provided, single submitter. Criteria: Invitae Variant Classification Sherloc (09022015). Collection method: clinical testing. Allele origin: germline.
Comment: In summary, the available evidence is currently insufficient to determine the role of this variant in disease. Therefore, it has been classified as a Variant of Uncertain Significance. Experimental studies and prediction algorithms are not available or were not evaluated, and the functional significance of this variant is currently unknown. This variant has not been reported in the literature in individuals affected with FOXE3-related conditions. Information on the frequency of this variant in the gnomAD database is not available, as this variant may be reported differently in the database. This sequence change replaces proline, which is neutral and non-polar, with serine, which is neutral and polar, at codon 190 of the FOXE3 protein (p.Pro190Ser).

NM_012186.3(FOXE3):c.567_568delinsTT (p.Pro190Ser)

Genes: FOXE3 (forkhead box E3; plus strand), LINC01389 (long independently transcribed non-coding RNA 1389; minus strand). Cytogenetic location: 1p33.
Variant type: Indel.
Coding change: c.567_568delinsTT on transcript NM_012186.3 (MANE Select); coding-DNA positions 567 to 568, GC replaced by TT.
Protein change: p.Pro190Ser; replaces proline 190 with serine.
Molecular consequence: missense variant.
Genome position (GRCh38, 1-based): chr1:47,416,882-47,416,883, GC replaced by TT. VCF-style: chr1-47416882-GC-TT. GRCh37 (hg19) VCF-style: chr1-47882554-GC-TT.
Other names: short protein forms P190S.
Identifiers: ClinVar variation 1718609 (VCV001718609.6), dbSNP rs2521320253, ClinGen allele CA2580062970.